The following is an entry in ClinVar:

NM_004972.4(JAK2):c.3262T>C (p.Leu1088=)

Genes: INSL6 (insulin like 6; minus strand), JAK2 (Janus kinase 2; plus strand). Cytogenetic location: 9p24.1.
Variant type: single nucleotide variant.
Coding change: c.3262T>C on transcript NM_004972.4 (MANE Select); coding-DNA position 3262, T replaced by C.
Protein change: p.Leu1088=; no amino-acid change (leucine 1088 retained).
Molecular consequence: synonymous variant. On other transcripts: non-coding transcript variant (2).
Genome position (GRCh38, 1-based): chr9:5,126,417, T>C. VCF-style: chr9-5126417-T-C. GRCh37 (hg19) VCF-style: chr9-5126417-T-C.
Other names: c.3262T>C, p.Leu1088= (NM_001322194.2, NM_001322195.2, NM_001322196.2); c.2047T>C, p.Leu683= (NM_001322198.2, NM_001322199.2); c.2815T>C, p.Leu939= (NM_001322204.2).
Identifiers: ClinVar variation 3036432 (VCV003036432.2), dbSNP rs747401404, ClinGen allele CA4972406.

ClinVar aggregate classification (germline): Likely benign (0 of 4 stars; one submission).

Conditions:
JAK2-related disorder. Also called: JAK2-related condition.

Allele frequency attached by ClinVar (database versions not stated): TOPMed 0.00004; gnomAD 0.00005; gnomAD exomes 0.00011; ExAC 0.00032.
gnomAD v4.1: 166 of 1,610,428 alleles (0.01%); highest among the groups gnomAD compares: South Asian, 0.16%; 3 homozygotes.

Submission:

PreventionGenetics, part of Exact Sciences
Classification: Likely benign for JAK2-related condition. Last evaluated: 2020-09-10. Review status: no assertion criteria provided. Collection method: clinical testing. Allele origin: germline.
Comment: This variant is classified as likely benign based on ACMG/AMP sequence variant interpretation guidelines (Richards et al. 2015 PMID: 25741868, with internal and published modifications).